The following is an entry in ClinVar:

ClinVar aggregate classification (germline): Uncertain significance (1 of 4 stars; one submission).

Submission:

Women's Health and Genetics/Laboratory Corporation of America, LabCorp
Classification: Uncertain significance. Last evaluated: 2024-08-06. Review status: criteria provided, single submitter. Criteria: LabCorp Variant Classification Summary - May 2015. Collection method: clinical testing. Allele origin: germline.
Comment: Variant summary: MEFV c.2150G>C (p.Arg717Pro) results in a non-conservative amino acid change located in the B30.2/SPRY domain (IPR001870) of the encoded protein sequence. Three of five in-silico tools predict a damaging effect of the variant on protein function. The variant was absent in 251492 control chromosomes. The available data on variant occurrences in the general population are insufficient to allow any conclusion about variant significance. To our knowledge, no occurrence of c.2150G>C in individuals affected with Familial Mediterranean Fever and no experimental evidence demonstrating its impact on protein function have been reported. No submitters have cited clinical-significance assessments for this variant to ClinVar. Based on the evidence outlined above, the variant was classified as uncertain significance.

NM_000243.3(MEFV):c.2150G>C (p.Arg717Pro)

Genes: MEFV (MEFV innate immunity regulator, pyrin; minus strand), LOC126862264 (CDK7 strongly-dependent group 2 enhancer GRCh37_chr16:3293322-3294521; plus strand). Cytogenetic location: 16p13.3.
Variant type: single nucleotide variant.
Coding change: c.2150G>C on transcript NM_000243.3 (MANE Select); coding-DNA position 2150, G replaced by C.
Protein change: p.Arg717Pro; replaces arginine 717 with proline.
Molecular consequence: missense variant. On other transcripts: 3 prime UTR variant (1).
Genome position (GRCh38, 1-based): chr16:3,243,337, C>G on the plus strand (G>C on the coding strand, the complement: MEFV is on the minus strand). VCF-style: chr16-3243337-C-G. GRCh37 (hg19) VCF-style: chr16-3293337-C-G.
Other names: c.*354G>C (NM_001198536.2); short protein forms R717P.
Identifiers: ClinVar variation 3366463 (VCV003366463.1).